The following is an entry in ClinVar:

ClinVar aggregate classification (germline): Uncertain significance (1 of 4 stars; one submission).

Conditions:
Inborn genetic diseases. Identifiers: MedGen C0950123, MeSH D030342.

Allele frequency attached by ClinVar (database versions not stated): TOPMed below 0.00001; gnomAD exomes 0.00001.
gnomAD v4.1: 21 of 1,612,800 alleles (0.0013%); highest among the groups gnomAD compares: Non-Finnish European, 0.0018%; no homozygotes.

Submission:

Ambry Genetics
Classification: Uncertain significance for Inborn genetic diseases. Last evaluated: 2023-10-13. Review status: criteria provided, single submitter. Criteria: Ambry Variant Classification Scheme 2023. Collection method: clinical testing. Allele origin: germline.
Comment: The p.N1117S variant (also known as c.3350A>G), located in coding exon 25 of the LRRK2 gene, results from an A to G substitution at nucleotide position 3350. The asparagine at codon 1117 is replaced by serine, an amino acid with highly similar properties. This amino acid position is conserved. In addition, this alteration is predicted to be tolerated by in silico analysis. Since supporting evidence is limited at this time, the clinical significance of this alteration remains unclear.

NM_198578.4(LRRK2):c.3350A>G (p.Asn1117Ser)

Gene: LRRK2 (leucine rich repeat kinase 2; plus strand). Cytogenetic location: 12q12.
Variant type: single nucleotide variant.
Coding change: c.3350A>G on transcript NM_198578.4 (MANE Select); coding-DNA position 3350, A replaced by G.
Protein change: p.Asn1117Ser; replaces asparagine 1117 with serine.
Molecular consequence: missense variant.
Genome position (GRCh38, 1-based): chr12:40,299,111, A>G. VCF-style: chr12-40299111-A-G. GRCh37 (hg19) VCF-style: chr12-40692913-A-G.
Other names: short protein forms N1117S.
Identifiers: ClinVar variation 3229607 (VCV003229607.1), dbSNP rs1944522919, ClinGen allele CA384415449.
Genomic context (GRCh38, chr12:40,299,111, plus strand): 5'-TTTCTTTAAAGCATATGAATTTATGCAATTTAATCATTATCTTGTCTCTTGTGACTAGAA[A>G]TAAAATATCAGGGATATGCTCCCCCTTGAGACTGAAGGAACTGAAGATTTTAAACCTTAG-3'
Protein context (NP_940980.4, residues 1107-1127): EKLEQLILEG[Asn1117Ser]KISGICSPLR